The following is an entry in ClinVar:

NM_000379.4(XDH):c.698G>A (p.Arg233His)

Gene: XDH (xanthine dehydrogenase; minus strand). Cytogenetic location: 2p23.1.
Variant type: single nucleotide variant.
Coding change: c.698G>A on transcript NM_000379.4 (MANE Select); coding-DNA position 698, G replaced by A.
Protein change: p.Arg233His; replaces arginine 233 with histidine.
Molecular consequence: missense variant.
Genome position (GRCh38, 1-based): chr2:31,386,509, C>T on the plus strand (G>A on the coding strand, the complement: XDH is on the minus strand). VCF-style: chr2-31386509-C-T. GRCh37 (hg19) VCF-style: chr2-31609375-C-T.
Other names: short protein forms R233H.
Identifiers: ClinVar variation 3716699 (VCV003716699.2).
Genomic context (GRCh38, chr2:31,386,509, plus strand): 5'-GGGTGCTGAGCCTTGAGGTCCAGCAGCTCCTTGAGGGTTGAGGCCTGTATCCACGTCACA[C>T]GCTCCCCTTCAAATCGCAGCTGCTTCCGAGGAGTGTCTTTCAGCCTCTGGGAAATGCAGT-3'
Protein context (NP_000370.2, residues 223-243): PRKQLRFEGE[Arg233His]VTWIQASTLK

ClinVar aggregate classification (germline): Uncertain significance (1 of 4 stars; one submission).

Conditions:
Xanthinuria type II. Also called: Xanthine dehydrogenase and aldehyde oxidase combined deficiency of; XDH and AOX dual deficiency. Identifiers: Orphanet 3467, Orphanet 93602, MedGen C1863688, MONDO:0011346, OMIM 603592.

gnomAD v4.1: 16 of 1,614,126 alleles (0.00099%); highest among the groups gnomAD compares: Middle Eastern, 0.017%; no homozygotes.

Submission:

Labcorp Genetics (formerly Invitae), Labcorp
Classification: Uncertain significance for Xanthinuria type II. Last evaluated: 2024-04-17. Review status: criteria provided, single submitter. Criteria: Invitae Variant Classification Sherloc (09022015). Collection method: clinical testing. Allele origin: germline.
Comment: This sequence change replaces arginine, which is basic and polar, with histidine, which is basic and polar, at codon 233 of the XDH protein (p.Arg233His). This variant is present in population databases (rs201194179, gnomAD 0.004%). This variant has not been reported in the literature in individuals affected with XDH-related conditions. An algorithm developed to predict the effect of missense changes on protein structure and function (PolyPhen-2) suggests that this variant is likely to be disruptive. In summary, the available evidence is currently insufficient to determine the role of this variant in disease. Therefore, it has been classified as a Variant of Uncertain Significance.